The following is an entry in ClinVar:

NM_001244710.2(GFPT1):c.175C>T (p.Leu59Phe)

Gene: GFPT1 (glutamine--fructose-6-phosphate transaminase 1; minus strand). Cytogenetic location: 2p13.3.
Variant type: single nucleotide variant.
Coding change: c.175C>T on transcript NM_001244710.2 (MANE Select); coding-DNA position 175, C replaced by T.
Protein change: p.Leu59Phe; replaces leucine 59 with phenylalanine.
Molecular consequence: missense variant.
Genome position (GRCh38, 1-based): chr2:69,370,049, G>A on the plus strand (C>T on the coding strand, the complement: GFPT1 is on the minus strand). VCF-style: chr2-69370049-G-A. GRCh37 (hg19) VCF-style: chr2-69597181-G-A.
Other names: c.175C>T, p.Leu59Phe (NM_002056.4); short protein forms L59F.
Identifiers: ClinVar variation 4773113 (VCV004773113.1).

ClinVar aggregate classification (germline): Uncertain significance (1 of 4 stars; one submission).

Conditions:
Congenital myasthenic syndrome 12 (CMS12). Also called: MYASTHENIC SYNDROME, CONGENITAL, WITH TUBULAR AGGREGATES 1; Myasthenia, congenital, 12, with tubular aggregates. Identifiers: Orphanet 353327, Orphanet 590, MedGen C3552335, MONDO:0012518, OMIM 610542.

Submission:

Labcorp Genetics (formerly Invitae), Labcorp
Classification: Uncertain significance for Congenital myasthenic syndrome 12. Last evaluated: 2025-07-16. Review status: criteria provided, single submitter. Criteria: Invitae Variant Classification Sherloc (09022015). Collection method: clinical testing. Allele origin: germline.
Comment: This sequence change replaces leucine, which is neutral and non-polar, with phenylalanine, which is neutral and non-polar, at codon 59 of the GFPT1 protein (p.Leu59Phe). This variant is not present in population databases (gnomAD no frequency). This variant has not been reported in the literature in individuals affected with GFPT1-related conditions. Invitae Evidence Modeling of protein sequence and biophysical properties (such as structural, functional, and spatial information, amino acid conservation, physicochemical variation, residue mobility, and thermodynamic stability) indicates that this missense variant is not expected to disrupt GFPT1 protein function with a negative predictive value of 80%. In summary, the available evidence is currently insufficient to determine the role of this variant in disease. Therefore, it has been classified as a Variant of Uncertain Significance.